The following is an entry in ClinVar:

ClinVar aggregate classification (germline): Uncertain significance (1 of 4 stars; one submission).

Conditions:
Glycogen storage disease, type II (IOPD). Also called: Pompe Disease; CARDIOMEGALIA GLYCOGENICA DIFFUSA; GLYCOGENOSIS, GENERALIZED, CARDIAC FORM; GSD II; POMPE DISEASE, INFANTILE-ONSET; GLYCOGEN STORAGE DISEASE II, INFANTILE-ONSET. Identifiers: Orphanet 365, MedGen C0017921, MONDO:0009290, OMIM 232300.

Submission:

Genomenon, Inc
Classification: Uncertain significance for Glycogen storage disease, type II. Last evaluated: 2026-07-01. Review status: criteria provided, single submitter. Criteria: Genomenon Sequence Variant Interpretation Standards - Updated. Collection method: curation. Allele origin: germline. Affected: no.
Comment: GAA p.Tyr292Ser (c.875A>C) is a missense variant that changes the amino acid at codon 292 from Tyrosine to Serine. This variant has been reported in the published literature (PMID:37507255). It is absent or not present at a significant frequency in gnomAD. In silico models predict that this variant is possibly or probably damaging. In conclusion, we classify GAA p.Tyr292Ser (c.875A>C) as a variant of uncertain significance.

Literature cited by the submitters: PubMed 37507255.

NM_000152.5(GAA):c.875A>C (p.Tyr292Ser)

Gene: GAA (alpha glucosidase; plus strand). Cytogenetic location: 17q25.3.
Variant type: single nucleotide variant.
Coding change: c.875A>C on transcript NM_000152.5 (MANE Select); coding-DNA position 875, A replaced by C.
Protein change: p.Tyr292Ser; replaces tyrosine 292 with serine.
Molecular consequence: missense variant.
Genome position (GRCh38, 1-based): chr17:80,107,816, A>C. VCF-style: chr17-80107816-A-C. GRCh37 (hg19) VCF-style: chr17-78081615-A-C.
Other names: c.875A>C, p.Tyr292Ser (NM_001079803.3, NM_001079804.3, NM_001406741.1 and 1 more transcripts); short protein forms Y292S.
Identifiers: ClinVar variation 4876326 (VCV004876326.1).